The following is an entry in ClinVar:

NM_002180.3(IGHMBP2):c.2770C>T (p.His924Tyr)

Gene: IGHMBP2 (immunoglobulin mu DNA binding protein 2; plus strand). Cytogenetic location: 11q13.3.
Variant type: single nucleotide variant.
Coding change: c.2770C>T on transcript NM_002180.3 (MANE Select); coding-DNA position 2770, C replaced by T.
Protein change: p.His924Tyr; replaces histidine 924 with tyrosine.
Molecular consequence: missense variant.
Genome position (GRCh38, 1-based): chr11:68,938,340, C>T. VCF-style: chr11-68938340-C-T. GRCh37 (hg19) VCF-style: chr11-68705808-C-T.
Other names: short protein forms H924Y.
Identifiers: ClinVar variation 637694 (VCV000637694.4), dbSNP rs1594458556, ClinGen allele CA381654535.

ClinVar aggregate classification (germline): Likely pathogenic. Review status: criteria provided, multiple submitters, no conflicts (2 of 4 stars). 4 submissions from 4 submitters: Likely pathogenic (2). 2 of the submissions do not count toward it. Last evaluated 2025-08-26.

Conditions:
autosomal recessive IGHMBP2-related neuropathy.
Charcot-Marie-Tooth disease axonal type 2S. Also called: CHARCOT-MARIE-TOOTH DISEASE, AXONAL, AUTOSOMAL RECESSIVE, TYPE 2S; CHARCOT-MARIE-TOOTH NEUROPATHY, TYPE 2S. Identifiers: Orphanet 443073, MedGen C4015349, MONDO:0014511, OMIM 616155.
Charcot-Marie-Tooth disease. Also called: Charcot-Marie-Tooth Neuropathy; Charcot-Marie-Tooth Hereditary Neuropathy. Identifiers: Orphanet 166, MedGen C0007959, MONDO:0015626.

Allele frequency attached by ClinVar (database versions not stated): gnomAD exomes below 0.00001.
gnomAD v4.1: 1 of 1,610,828 alleles (0.000062%); highest among the groups gnomAD compares: Non-Finnish European, 0.000085%; no homozygotes.

Submissions (4):

Division of Genetic & Genomic Pathology, Hong Kong Children's Hospital
Classification: Likely pathogenic for autosomal recessive IGHMBP2-related neuropathy. Last evaluated: 2025-08-26. Review status: criteria provided, single submitter. Criteria: ACMG Guidelines, 2015. Collection method: clinical testing. Allele origin: germline. Affected: yes.
Comment: IGHMBP2 c.2770C>T p.(His924Tyr) is a missense variant located in exon 14 of the IGHMBP2 gene. This variant is present in population controls at a very low allele frequency (gnomAD v4.1.0: 1 in 1,610,828 alleles in all populations). It has been deposited in ClinVar as VUS (VCV000637694.2). The compound heterozygous variants IGHMBP2 c.2770C>T p.(His924Tyr) and c.1813C>T p.(Arg605*) have been reported in a patient with axonal neuropathy (PMID: 25439726). The REVEL score for the variant is 0.95, which is predicted to be deleterious. For these reasons, IGHMBP2 c.2770C>T p.(His924Tyr) is classified as a likely pathogenic. This variant is in trans with another nonsense likely pathogenic variant.

Juno Genomics, Hangzhou Juno Genomics, Inc
Classification: Likely pathogenic for Charcot-Marie-Tooth disease axonal type 2S. Review status: criteria provided, single submitter. Criteria: ACMG Guidelines, 2015. Collection method: clinical testing. Allele origin: germline.
Comment: Absent from controls (or at extremely low frequency if recessive) in Genome Aggregation Database.;Multiple lines of computational evidence support a deleterious effect on the gene or gene product.;For recessive disorders, detected in trans with a pathogenic variant.;Patient's phenotype or family history is highly specific for a disease with a single genetic etiology.

Genesis Genome Database
Classification: Uncertain significance for Charcot-Marie-Tooth disease. Last evaluated: 2019-08-14. Review status: no assertion criteria provided. Collection method: research. Allele origin: germline. Affected: yes. Not counted in ClinVar's aggregate classification.

Inherited Neuropathy Consortium
Classification: Uncertain significance for Charcot-Marie-Tooth disease. Review status: no assertion criteria provided. Collection method: literature only. Allele origin: germline. Affected: yes. Not counted in ClinVar's aggregate classification.

Literature cited by the submitters: PubMed 25439726 (cited by Division of Genetic & Genomic Pathology, Hong Kong Children's Hospital and Inherited Neuropathy Consortium).